The following is an entry in ClinVar:

ClinVar aggregate classification (germline): Likely benign. Review status: criteria provided, multiple submitters, no conflicts (2 of 4 stars). 2 submissions from 2 submitters: Likely benign (2). Last evaluated 2026-07-01.

Conditions:
Congenital myasthenic syndrome 8. Also called: MYASTHENIC SYNDROME, CONGENITAL, DUE TO AGRIN DEFICIENCY; Myasthenic syndrome, congenital, 8, with pre- and postsynaptic defects. Identifiers: Orphanet 590, MedGen C3808739, MONDO:0014052, OMIM 615120.

Allele frequency attached by ClinVar (database versions not stated): gnomAD 0.00001; gnomAD exomes 0.00002; TOPMed 0.00002; ExAC 0.00016.
gnomAD v4.1: 25 of 1,559,854 alleles (0.0016%); highest among the groups gnomAD compares: African/African-American, 0.0068%; no homozygotes.

Submissions (2):

CeGaT Center for Human Genetics Tuebingen
Classification: Likely benign. Last evaluated: 2026-07-01. Review status: criteria provided, single submitter. Criteria: CeGaT Center For Human Genetics Tuebingen Variant Classification Criteria Version 2. Collection method: clinical testing. Allele origin: germline. Affected: yes. Observed: 1 variant allele.
Comment: AGRN: BP4, BP7

Labcorp Genetics (formerly Invitae), Labcorp
Classification: Likely benign for Congenital myasthenic syndrome 8. Last evaluated: 2025-02-28. Review status: criteria provided, single submitter. Criteria: Invitae Variant Classification Sherloc (09022015). Collection method: clinical testing. Allele origin: germline.

NM_198576.4(AGRN):c.6000C>T (p.Pro2000=)

Gene: AGRN (agrin; plus strand). Cytogenetic location: 1p36.33.
Variant type: single nucleotide variant.
Coding change: c.6000C>T on transcript NM_198576.4 (MANE Select); coding-DNA position 6000, C replaced by T.
Protein change: p.Pro2000=; no amino-acid change (proline 2000 retained).
Molecular consequence: synonymous variant.
Genome position (GRCh38, 1-based): chr1:1,054,843, C>T. VCF-style: chr1-1054843-C-T. GRCh37 (hg19) VCF-style: chr1-990223-C-T.
Other names: c.6069C>T, p.Pro2023= (NM_001305275.2); c.5697C>T, p.Pro1899= (NM_001364727.2).
Identifiers: ClinVar variation 1579791 (VCV001579791.9), dbSNP rs769653766, ClinGen allele CA510310.